The following is an entry in ClinVar:

ClinVar aggregate classification (germline): Uncertain significance (1 of 4 stars; one submission).

Conditions:
Inborn genetic diseases. Identifiers: MedGen C0950123, MeSH D030342.

Submission:

Ambry Genetics
Classification: Uncertain significance for Inborn genetic diseases. Last evaluated: 2023-01-01. Review status: criteria provided, single submitter. Criteria: Ambry Variant Classification Scheme 2023. Collection method: clinical testing. Allele origin: germline.
Comment: The p.A1928D variant (also known as c.5783C>A), located in coding exon 34 of the ATR gene, results from a C to A substitution at nucleotide position 5783. The alanine at codon 1928 is replaced by aspartic acid, an amino acid with dissimilar properties. This amino acid position is conserved. In addition, this alteration is predicted to be deleterious by in silico analysis. Since supporting evidence is limited at this time, the clinical significance of this alteration remains unclear.

NM_001184.4(ATR):c.5783C>A (p.Ala1928Asp)

Gene: ATR (ATR checkpoint kinase; minus strand). Cytogenetic location: 3q23.
Variant type: single nucleotide variant.
Coding change: c.5783C>A on transcript NM_001184.4 (MANE Select); coding-DNA position 5783, C replaced by A.
Protein change: p.Ala1928Asp; replaces alanine 1928 with aspartic acid.
Molecular consequence: missense variant.
Genome position (GRCh38, 1-based): chr3:142,496,476, G>T on the plus strand (C>A on the coding strand, the complement: ATR is on the minus strand). VCF-style: chr3-142496476-G-T. GRCh37 (hg19) VCF-style: chr3-142215318-G-T.
Other names: c.5591C>A, p.Ala1864Asp (NM_001354579.2); short protein forms A1864D, A1928D.
Identifiers: ClinVar variation 2453558 (VCV002453558.2), dbSNP rs2031652555, ClinGen allele CA354813798.
Genomic context (GRCh38, chr3:142,496,476, plus strand): 5'-CCTGCATTAAGGAGAGCATTGTAGGCTGTCTGGTGGTGACCAGCCTTTCTAGCTACCCTG[G>T]CACTCTGCAGCCAGCATTCTCCAACCATTTCATTGTAATCTGGTCTAAAGGAAGTAACAA-3'
Protein context (NP_001175.2, residues 1918-1938): EMVGECWLQS[Ala1928Asp]RVARKAGHHQ